The following is an entry in ClinVar:

NM_004995.4(MMP14):c.1277A>C (p.Lys426Thr)

Gene: MMP14 (matrix metallopeptidase 14; plus strand). Cytogenetic location: 14q11.2.
Variant type: single nucleotide variant.
Coding change: c.1277A>C on transcript NM_004995.4 (MANE Select); coding-DNA position 1277, A replaced by C.
Protein change: p.Lys426Thr; replaces lysine 426 with threonine.
Molecular consequence: missense variant.
Genome position (GRCh38, 1-based): chr14:22,844,756, A>C. VCF-style: chr14-22844756-A-C. GRCh37 (hg19) VCF-style: chr14-23313965-A-C.
Other names: short protein forms K426T.
Identifiers: ClinVar variation 1966684 (VCV001966684.5), dbSNP rs1454477988, ClinGen allele CA388933615.

ClinVar aggregate classification (germline): Uncertain significance (1 of 4 stars; one submission).

Allele frequency attached by ClinVar (database versions not stated): gnomAD exomes below 0.00001; gnomAD 0.00001; TOPMed 0.00001.
gnomAD v4.1: 9 of 1,613,988 alleles (0.00056%); highest among the groups gnomAD compares: Non-Finnish European, 0.00076%; no homozygotes.

Submission:

Labcorp Genetics (formerly Invitae), Labcorp
Classification: Uncertain significance. Last evaluated: 2022-10-13. Review status: criteria provided, single submitter. Criteria: Invitae Variant Classification Sherloc (09022015). Collection method: clinical testing. Allele origin: germline.
Comment: In summary, the available evidence is currently insufficient to determine the role of this variant in disease. Therefore, it has been classified as a Variant of Uncertain Significance. Advanced modeling of protein sequence and biophysical properties (such as structural, functional, and spatial information, amino acid conservation, physicochemical variation, residue mobility, and thermodynamic stability) performed at Invitae indicates that this missense variant is not expected to disrupt MMP14 protein function. This variant has not been reported in the literature in individuals affected with MMP14-related conditions. This variant is present in population databases (no rsID available, gnomAD 0.0009%). This sequence change replaces lysine, which is basic and polar, with threonine, which is neutral and polar, at codon 426 of the MMP14 protein (p.Lys426Thr).